The following is an entry in ClinVar:

NM_003240.5(LEFTY2):c.890G>A (p.Cys297Tyr)

Gene: LEFTY2 (left-right determination factor 2; minus strand). Cytogenetic location: 1q42.12.
Variant type: single nucleotide variant.
Coding change: c.890G>A on transcript NM_003240.5 (MANE Select); coding-DNA position 890, G replaced by A.
Protein change: p.Cys297Tyr; replaces cysteine 297 with tyrosine.
Molecular consequence: missense variant.
Genome position (GRCh38, 1-based): chr1:225,937,652, C>T on the plus strand (G>A on the coding strand, the complement: LEFTY2 is on the minus strand). VCF-style: chr1-225937652-C-T. GRCh37 (hg19) VCF-style: chr1-226125352-C-T.
Other names: c.788G>A, p.Cys263Tyr (NM_001172425.3); short protein forms C263Y, C297Y.
Identifiers: ClinVar variation 936848 (VCV000936848.9), dbSNP rs1672186780, ClinGen allele CA345013131.
Genomic context (GRCh38, chr1:225,937,652, plus strand): 5'-ATACACTGTCGCGGCCCCAGAAATGGCCAATTGAAGGCCAGGGCCTCCGGGGGCTGCTGG[C>T]AGGTGCCCACACACTCGTAAGCCAGGAAGCCCGGGGGCTCCAGCACCCAGTTCTTGGCCC-3'
Protein context (NP_003231.2, residues 287-307): GFLAYECVGT[Cys297Tyr]QQPPEALAFN

ClinVar aggregate classification (germline): Uncertain significance (1 of 4 stars; one submission).

Conditions:
Left-right axis malformations. Identifiers: MedGen C1866091.

Allele frequency attached by ClinVar (database versions not stated): TOPMed below 0.00001; gnomAD 0.00001; gnomAD exomes 0.00001.

Submission:

Labcorp Genetics (formerly Invitae), Labcorp
Classification: Uncertain significance for Left-right axis malformations. Last evaluated: 2022-06-03. Review status: criteria provided, single submitter. Criteria: Invitae Variant Classification Sherloc (09022015). Collection method: clinical testing. Allele origin: germline.
Comment: This sequence change replaces cysteine, which is neutral and slightly polar, with tyrosine, which is neutral and polar, at codon 297 of the LEFTY2 protein (p.Cys297Tyr). Algorithms developed to predict the effect of missense changes on protein structure and function are either unavailable or do not agree on the potential impact of this missense change (SIFT: "Deleterious"; PolyPhen-2: "Probably Damaging"; Align-GVGD: "Class C0"). In summary, the available evidence is currently insufficient to determine the role of this variant in disease. Therefore, it has been classified as a Variant of Uncertain Significance. This variant is not present in population databases (gnomAD no frequency). This variant has not been reported in the literature in individuals affected with LEFTY2-related conditions. ClinVar contains an entry for this variant (Variation ID: 936848).